The following is an entry in ClinVar:

ClinVar aggregate classification (germline): Uncertain significance (1 of 4 stars; one submission).

Allele frequency attached by ClinVar (database versions not stated): gnomAD exomes below 0.00001.
gnomAD v4.1: 2 of 1,602,188 alleles (0.00012%); highest among the groups gnomAD compares: South Asian, 0.0022%; no homozygotes.

Submission:

Labcorp Genetics (formerly Invitae), Labcorp
Classification: Uncertain significance. Last evaluated: 2022-09-08. Review status: criteria provided, single submitter. Criteria: Invitae Variant Classification Sherloc (09022015). Collection method: clinical testing. Allele origin: germline.
Comment: In summary, the available evidence is currently insufficient to determine the role of this variant in disease. Therefore, it has been classified as a Variant of Uncertain Significance. Algorithms developed to predict the effect of missense changes on protein structure and function are either unavailable or do not agree on the potential impact of this missense change (SIFT: "Deleterious"; PolyPhen-2: "Benign"; Align-GVGD: "Class C0"). ClinVar contains an entry for this variant (Variation ID: 1433455). This variant has not been reported in the literature in individuals affected with RBBP8-related conditions. This variant is present in population databases (no rsID available, gnomAD 0.003%). This sequence change replaces methionine, which is neutral and non-polar, with threonine, which is neutral and polar, at codon 823 of the RBBP8 protein (p.Met823Thr).

NM_002894.3(RBBP8):c.2468T>C (p.Met823Thr)

Gene: RBBP8 (RB binding protein 8, endonuclease; plus strand). Cytogenetic location: 18q11.2.
Variant type: single nucleotide variant.
Coding change: c.2468T>C on transcript NM_002894.3 (MANE Select); coding-DNA position 2468, T replaced by C.
Protein change: p.Met823Thr; replaces methionine 823 with threonine.
Molecular consequence: missense variant.
Genome position (GRCh38, 1-based): chr18:23,022,142, T>C. VCF-style: chr18-23022142-T-C. GRCh37 (hg19) VCF-style: chr18-20602105-T-C.
Other names: c.2468T>C, p.Met823Thr (NM_203291.2); c.2371T>C, p.Cys791Arg (NM_203292.2); short protein forms M823T, C791R.
Identifiers: ClinVar variation 1433455 (VCV001433455.8), dbSNP rs1468183314, ClinGen allele CA401803404.